The following is an entry in ClinVar:

ClinVar aggregate classification (germline): Likely pathogenic (1 of 4 stars; one submission).

Conditions:
Nephronophthisis 15 (NPHP15). Identifiers: Orphanet 3156, MedGen C3541853, MONDO:0013917, OMIM 614845.

Submission:

Labcorp Genetics (formerly Invitae), Labcorp
Classification: Likely pathogenic for Nephronophthisis 15. Last evaluated: 2024-03-20. Review status: criteria provided, single submitter. Criteria: Invitae Variant Classification Sherloc (09022015). Collection method: clinical testing. Allele origin: germline.
Comment: This sequence change affects an acceptor splice site in intron 15 of the CEP164 gene. It is expected to disrupt RNA splicing. Variants that disrupt the donor or acceptor splice site typically lead to a loss of protein function (PMID: 16199547), and loss-of-function variants in CEP164 are known to be pathogenic (PMID: 22863007, 28125082, 32367404, 34132027, 34499853). This variant is not present in population databases (gnomAD no frequency). This variant has not been reported in the literature in individuals affected with CEP164-related conditions. Algorithms developed to predict the effect of sequence changes on RNA splicing suggest that this variant may disrupt the consensus splice site. In summary, the currently available evidence indicates that the variant is pathogenic, but additional data are needed to prove that conclusively. Therefore, this variant has been classified as Likely Pathogenic.

Literature cited by the submitters: PubMed 16199547; PubMed 22863007; PubMed 28125082; PubMed 32367404; PubMed 34132027; PubMed 34499853.

NM_014956.5(CEP164):c.1935-1G>C

Gene: CEP164 (centrosomal protein 164; plus strand). Cytogenetic location: 11q23.3.
Variant type: single nucleotide variant.
Coding change: c.1935-1G>C on transcript NM_014956.5 (MANE Select); the canonical splice acceptor site of the intron before coding-DNA position 1935, G replaced by C.
Molecular consequence: splice acceptor variant.
Genome position (GRCh38, 1-based): chr11:117,390,776, G>C. VCF-style: chr11-117390776-G-C. GRCh37 (hg19) VCF-style: chr11-117261492-G-C.
Other names: c.1944-1G>C (NM_001271933.2).
Identifiers: ClinVar variation 3647051 (VCV003647051.2).